The following is an entry in ClinVar:

ClinVar aggregate classification (germline): Uncertain significance (1 of 4 stars; one submission).

Conditions:
Immunodeficiency 132A. Also called: Herpes simplex encephalitis, susceptibility to, 3. Identifiers: Orphanet 1930, MedGen C3553868, MONDO:0013920, OMIM 614849.

Allele frequency attached by ClinVar (database versions not stated): gnomAD exomes below 0.00001; TOPMed below 0.00001; ExAC 0.00001.
gnomAD v4.1: 5 of 1,614,192 alleles (0.00031%); highest among the groups gnomAD compares: Non-Finnish European, 0.00042%; no homozygotes.

Submission:

Labcorp Genetics (formerly Invitae), Labcorp
Classification: Uncertain significance for Immunodeficiency 132A. Last evaluated: 2023-12-11. Review status: criteria provided, single submitter. Criteria: Invitae Variant Classification Sherloc (09022015). Collection method: clinical testing. Allele origin: germline.
Comment: This sequence change replaces aspartic acid, which is acidic and polar, with asparagine, which is neutral and polar, at codon 401 of the TRAF3 protein (p.Asp401Asn). This variant is present in population databases (rs767120006, gnomAD 0.0009%). This variant has not been reported in the literature in individuals affected with TRAF3-related conditions. ClinVar contains an entry for this variant (Variation ID: 1355012). An algorithm developed to predict the effect of missense changes on protein structure and function (PolyPhen-2) suggests that this variant is likely to be disruptive. In summary, the available evidence is currently insufficient to determine the role of this variant in disease. Therefore, it has been classified as a Variant of Uncertain Significance.

NM_145725.3(TRAF3):c.1201G>A (p.Asp401Asn)

Gene: TRAF3 (TNF receptor associated factor 3; plus strand). Cytogenetic location: 14q32.32.
Variant type: single nucleotide variant.
Coding change: c.1201G>A on transcript NM_145725.3 (MANE Select); coding-DNA position 1201, G replaced by A.
Protein change: p.Asp401Asn; replaces aspartic acid 401 with asparagine.
Molecular consequence: missense variant.
Genome position (GRCh38, 1-based): chr14:102,905,278, G>A. VCF-style: chr14-102905278-G-A. GRCh37 (hg19) VCF-style: chr14-103371615-G-A.
Other names: c.952G>A, p.Asp318Asn (NM_001199427.2); c.1060G>A, p.Asp354Asn (NM_001385142.1); c.1120G>A, p.Asp374Asn (NM_001385143.1); c.1201G>A, p.Asp401Asn (NM_003300.4); c.1126G>A, p.Asp376Asn (NM_145726.3); short protein forms D318N, D376N, D354N, D374N, D401N.
Identifiers: ClinVar variation 1355012 (VCV001355012.8), dbSNP rs767120006, ClinGen allele CA7359580.